The following is an entry in ClinVar:

ClinVar aggregate classification (germline): Conflicting classifications of pathogenicity. Review status: criteria provided, conflicting classifications (1 of 4 stars). 4 submissions from 4 submitters: Uncertain significance (3); Likely benign (1). Last evaluated 2026-05-05.

Conditions:
Ullrich congenital muscular dystrophy 2 (UCMD2). Identifiers: Orphanet 75840, MedGen C4225314, MONDO:0014654, OMIM 616470.
Bethlem myopathy 2 (BTHLM2). Identifiers: Orphanet 536516, Orphanet 610, MedGen C4225313, MONDO:0034022, OMIM 616471.

Allele frequency attached by ClinVar (database versions not stated): gnomAD 0.00007 and 0.00006; TOPMed 0.00006; ESP Exome Variant Server 0.00025; 1000 Genomes Project 30x 0.00031; ExAC 0.00002; 1000 Genomes Project 0.00020; gnomAD exomes 0.00002 and 0.00007.
gnomAD v4.1: 115 of 1,613,844 alleles (0.0071%); highest among the groups gnomAD compares: Non-Finnish European, 0.0092%; no homozygotes.

Submissions (4):

Women's Health and Genetics/Laboratory Corporation of America, LabCorp
Classification: Uncertain significance. Last evaluated: 2026-05-05. Review status: criteria provided, single submitter. Criteria: LabCorp Variant Classification Summary - May 2015. Collection method: clinical testing. Allele origin: germline.
Comment: Variant summary: COL12A1 c.3952G>A (p.Ala1318Thr) results in a non-conservative amino acid change in the encoded protein sequence. Algorithms developed to predict the effect of missense changes on protein structure and function are either unavailable or do not agree on the potential impact of this missense change. The variant allele was found at a frequency of 1.6e-05 in 249240 control chromosomes. The available data on variant occurrences in the general population are insufficient to allow any conclusion about variant significance. c.3952G>A has been observed in at least one compound heterozygous individual with a diagnosis of Ullrich congenital muscular dystrophy 2 (example: Kernohan_2018). This report does not provide unequivocal conclusions about association of the variant with Ullrich congenital muscular dystrophy 2. To our knowledge, no experimental evidence demonstrating an impact on protein function has been reported. The following publication has been ascertained in the context of this evaluation (PMID: 30160830). ClinVar contains an entry for this variant (Variation ID: 1036247). Based on the evidence outlined above, the variant was classified as uncertain significance.

Labcorp Genetics (formerly Invitae), Labcorp
Classification: Likely benign for Bethlem myopathy 2; Ullrich congenital muscular dystrophy 2. Last evaluated: 2025-12-07. Review status: criteria provided, single submitter. Criteria: Invitae Variant Classification Sherloc (09022015). Collection method: clinical testing. Allele origin: germline.

Revvity Omics, Revvity
Classification: Uncertain significance. Last evaluated: 2025-08-06. Review status: criteria provided, single submitter. Criteria: ACMG Guidelines, 2015. Collection method: clinical testing. Allele origin: germline.

GeneDx
Classification: Uncertain significance. Last evaluated: 2024-01-26. Review status: criteria provided, single submitter. Criteria: GeneDx Variant Classification Process June 2021. Collection method: clinical testing. Allele origin: germline. Affected: yes.
Comment: Reported as A154T (due to alternate transcript) in conjunction with a second COL12A1 missense variant in an individual with a diagnosis of Ullrich congenital muscular dystrophy type 2 (PMID: 30160830); Not observed at significant frequency in large population cohorts (gnomAD); In silico analysis supports that this missense variant does not alter protein structure/function; This variant is associated with the following publications: (PMID: 30160830)

Literature cited by the submitters: PubMed 30160830 (cited by Women's Health and Genetics/Laboratory Corporation of America, LabCorp).

NM_004370.6(COL12A1):c.3952G>A (p.Ala1318Thr)

Gene: COL12A1 (collagen type XII alpha 1 chain; minus strand). Cytogenetic location: 6q13.
Variant type: single nucleotide variant.
Coding change: c.3952G>A on transcript NM_004370.6 (MANE Select); coding-DNA position 3952, G replaced by A.
Protein change: p.Ala1318Thr; replaces alanine 1318 with threonine.
Molecular consequence: missense variant.
Genome position (GRCh38, 1-based): chr6:75,151,915, C>T on the plus strand (G>A on the coding strand, the complement: COL12A1 is on the minus strand). VCF-style: chr6-75151915-C-T. GRCh37 (hg19) VCF-style: chr6-75861631-C-T.
Other names: c.460G>A, p.Ala154Thr (NM_080645.3); short protein forms A1318T, A154T.
Identifiers: ClinVar variation 1036247 (VCV001036247.14), dbSNP rs41269309, ClinGen allele CA3893580.